The following is an entry in ClinVar:

ClinVar aggregate classification (germline): Uncertain significance. Review status: criteria provided, multiple submitters, no conflicts (2 of 4 stars). 2 submissions from 2 submitters: Uncertain significance (2). Last evaluated 2025-01-08.

Conditions:
Inborn genetic diseases. Identifiers: MedGen C0950123, MeSH D030342.
Joubert syndrome 21 (JBTS21). Identifiers: MedGen C3810212, MONDO:0014288, OMIM 615636.

Allele frequency attached by ClinVar (database versions not stated): gnomAD exomes below 0.00001 and 0.00001; gnomAD 0.00001; TOPMed 0.00001; ESP Exome Variant Server 0.00008.
gnomAD v4.1: 13 of 1,577,184 alleles (0.00082%); highest among the groups gnomAD compares: African/African-American, 0.0054%; no homozygotes.

Submissions (2):

Ambry Genetics
Classification: Uncertain significance for Inborn genetic diseases. Last evaluated: 2025-01-08. Review status: criteria provided, single submitter. Criteria: Ambry Variant Classification Scheme 2023. Collection method: clinical testing. Allele origin: germline.

Labcorp Genetics (formerly Invitae), Labcorp
Classification: Uncertain significance for Joubert syndrome 21. Last evaluated: 2024-08-06. Review status: criteria provided, single submitter. Criteria: Invitae Variant Classification Sherloc (09022015). Collection method: clinical testing. Allele origin: germline.
Comment: This sequence change replaces methionine, which is neutral and non-polar, with valine, which is neutral and non-polar, at codon 929 of the CSPP1 protein (p.Met929Val). The frequency data for this variant in the population databases is considered unreliable, as metrics indicate poor data quality at this position in the gnomAD database. This variant has not been reported in the literature in individuals affected with CSPP1-related conditions. ClinVar contains an entry for this variant (Variation ID: 965781). An algorithm developed to predict the effect of missense changes on protein structure and function outputs the following: PolyPhen-2: "Benign". The valine amino acid residue is found in multiple mammalian species, which suggests that this missense change does not adversely affect protein function. In summary, the available evidence is currently insufficient to determine the role of this variant in disease. Therefore, it has been classified as a Variant of Uncertain Significance.

NM_001382391.1(CSPP1):c.2800A>G (p.Met934Val)

Gene: CSPP1 (centrosome and spindle pole associated protein 1; plus strand). Cytogenetic location: 8q13.2.
Variant type: single nucleotide variant.
Coding change: c.2800A>G on transcript NM_001382391.1 (MANE Select); coding-DNA position 2800, A replaced by G.
Protein change: p.Met934Val; replaces methionine 934 with valine.
Molecular consequence: missense variant.
Genome position (GRCh38, 1-based): chr8:67,164,480, A>G. VCF-style: chr8-67164480-A-G. GRCh37 (hg19) VCF-style: chr8-68076715-A-G.
Other names: c.1750A>G, p.Met584Val (NM_001291339.2); c.2719A>G, p.Met907Val (NM_001363131.2); c.2605A>G, p.Met869Val (NM_001363132.2); c.2524A>G, p.Met842Val (NM_001363133.2); c.2866A>G, p.Met956Val (NM_001364869.1); c.2686A>G, p.Met896Val (NM_001364870.1); c.2785A>G, p.Met929Val (NM_024790.7); short protein forms M584V, M896V, M934V, M907V, M869V, M929V, M842V, M956V.
Identifiers: ClinVar variation 965781 (VCV000965781.10), dbSNP rs370720351, ClinGen allele CA178193370.